The following is an entry in ClinVar:

ClinVar aggregate classification (germline): Likely benign (1 of 4 stars; one submission).

Submission:

CeGaT Center for Human Genetics Tuebingen
Classification: Likely benign. Last evaluated: 2022-06-01. Review status: criteria provided, single submitter. Criteria: CeGaT Center For Human Genetics Tuebingen Variant Classification Criteria Version 2. Collection method: clinical testing. Allele origin: germline. Affected: yes. Observed: 1 variant allele.
Comment: VPS13D: PM2:Supporting, BP4, BP7

NM_015378.4(VPS13D):c.7899C>T (p.Thr2633=)

Gene: VPS13D (vacuolar protein sorting 13 homolog D; plus strand). Cytogenetic location: 1p36.22.
Variant type: single nucleotide variant.
Coding change: c.7899C>T on transcript NM_015378.4 (MANE Select); coding-DNA position 7899, C replaced by T.
Protein change: p.Thr2633=; no amino-acid change (threonine 2633 retained).
Molecular consequence: synonymous variant.
Genome position (GRCh38, 1-based): chr1:12,322,730, C>T. VCF-style: chr1-12322730-C-T. GRCh37 (hg19) VCF-style: chr1-12382787-C-T.
Other names: c.7899C>T, p.Thr2633= (NM_018156.4).
Identifiers: ClinVar variation 1694492 (VCV001694492.31), dbSNP rs1643073161, ClinGen allele CA416125663.